The following is an entry in ClinVar:

ClinVar aggregate classification (germline): Likely benign (1 of 4 stars; one submission).

Allele frequency attached by ClinVar (database versions not stated): gnomAD exomes below 0.00001; ExAC 0.00001; gnomAD 0.00001; TOPMed 0.00001; ESP Exome Variant Server 0.00008.
gnomAD v4.1: 5 of 1,613,980 alleles (0.00031%); highest among the groups gnomAD compares: Non-Finnish European, 0.00042%; no homozygotes.

Submission:

CeGaT Center for Human Genetics Tuebingen
Classification: Likely benign. Last evaluated: 2023-04-01. Review status: criteria provided, single submitter. Criteria: CeGaT Center For Human Genetics Tuebingen Variant Classification Criteria Version 2. Collection method: clinical testing. Allele origin: germline. Affected: yes. Observed: 1 variant allele.
Comment: TTN: BP4, BP7

NM_001267550.2(TTN):c.8583T>A (p.Ala2861=)

Gene: TTN (titin; minus strand). Cytogenetic location: 2q31.2.
Variant type: single nucleotide variant.
Coding change: c.8583T>A on transcript NM_001267550.2 (MANE Select); coding-DNA position 8583, T replaced by A.
Protein change: p.Ala2861=; no amino-acid change (alanine 2861 retained).
Molecular consequence: synonymous variant.
Genome position (GRCh38, 1-based): chr2:178,770,118, A>T on the plus strand (T>A on the coding strand, the complement: TTN is on the minus strand). VCF-style: chr2-178770118-A-T. GRCh37 (hg19) VCF-style: chr2-179634845-A-T.
Other names: c.8583T>A, p.Ala2861= (NM_001256850.1, NM_133378.4, NM_133379.5); c.8445T>A, p.Ala2815= (NM_003319.4, NM_133432.3, NM_133437.4).
Identifiers: ClinVar variation 2651717 (VCV002651717.24), dbSNP rs150630967, ClinGen allele CA2004578.